The following is an entry in ClinVar:

NM_000540.3(RYR1):c.9848G>A (p.Arg3283Gln)

Gene: RYR1 (ryanodine receptor 1; plus strand). Cytogenetic location: 19q13.2.
Variant type: single nucleotide variant.
Coding change: c.9848G>A on transcript NM_000540.3 (MANE Select); coding-DNA position 9848, G replaced by A.
Protein change: p.Arg3283Gln; replaces arginine 3283 with glutamine.
Molecular consequence: missense variant.
Genome position (GRCh38, 1-based): chr19:38,517,521, G>A. VCF-style: chr19-38517521-G-A. GRCh37 (hg19) VCF-style: chr19-39008161-G-A.
Other names: NM_000540.3(RYR1):c.9848G>A; p.(Arg3283Gln); NM_001042723.2:c.9848G>A; c.9848G>A, p.Arg3283Gln (NM_001042723.2); short protein forms R3283Q.
Identifiers: ClinVar variation 1303276 (VCV001303276.10), dbSNP rs757753317, ClinGen allele CA074227.

ClinVar aggregate classification (germline): Uncertain significance. Review status: reviewed by expert panel (3 of 4 stars). 5 submissions from 5 submitters: Uncertain significance (1). 4 of the submissions do not count toward it. Last evaluated 2025-08-01.

Conditions:
RYR1-related disorder. Also called: RYR1-related disorders; RYR1-related condition. Identifiers: MedGen CN239331.
Malignant hyperthermia, susceptibility to, 1 (MHS1). Also called: RYR1-Related Malignant Hyperthermia Susceptibility; Anesthesia related hyperthermia; Malignant hyperpyrexia; Fulminating hyperpyrexia; Pharmacogenic myopathy; Malignant hyperthermia suceptibility 1. Identifiers: Orphanet 423, MedGen C2930980, MONDO:0007783, OMIM 145600.
Malignant hyperthermia of anesthesia. Also called: Anesthesic-triggered malignant hyperthermia. Identifiers: Orphanet 423, MedGen C0024591, MONDO:0018493, HP:0034733.

Allele frequency attached by ClinVar (database versions not stated): gnomAD 0.00001; gnomAD exomes 0.00001 and 0.00002; TOPMed 0.00001; ExAC 0.00002.
gnomAD v4.1: 18 of 1,613,894 alleles (0.0011%); highest among the groups gnomAD compares: Admixed American, 0.0067%; no homozygotes.

Submissions (5):

ClinGen Malignant Hyperthermia Susceptibility Variant Curation Expert Panel, ClinGen
Classification: Uncertain significance for Malignant hyperthermia of anesthesia. Last evaluated: 2025-08-01. Review status: reviewed by expert panel. Criteria: ClinGen MHS ACMG Specifications V2. Collection method: curation. Allele origin: germline. Inheritance: Autosomal dominant inheritance.
Comment: This pathogenicity assessment is relevant only for malignant hyperthermia susceptibility (MHS) inherited in an autosomal dominant pattern. Variants in RYR1 can also cause other myopathies inherited in an autosomal dominant pattern or in an autosomal recessive pattern. Some of these disorders may predispose individuals to malignant hyperthermia. RYR1 variants may also contribute to a malignant hyperthermia reaction in combination with other genetic and non-genetic factors and the clinician needs to consider such factors in making management decisions. This sequence variant predicts a substitution of arginine with glutamine at codon 3283 of the RYR1 protein, p.(Arg3283Gln). The maximum allele frequency for this variant among the six major gnomAD populations is AMR: 0.000087, a frequency consistent with pathogenicity for MHS. This variant has been reported in an individual with a personal or family history of an MH episode without a positive in vitro contracture test (IVCT) or caffeine halothane contracture test (CHCT) result, PS4 not implemented (PMID:23558838). No functional studies were identified for this variant. This variant does not reside in a hotspot for pathogenic variants that contribute to MHS. A REVEL score of 0.527 supports neither a pathogenic nor a benign status for this variant. This variant has been classified as a Variant of Unknown Significance. No criteria implemented.

GeneDx
Classification: Uncertain significance. Last evaluated: 2025-09-27. Review status: criteria provided, single submitter. Criteria: GeneDx Variant Classification Process June 2021. Collection method: clinical testing. Allele origin: germline. Affected: yes. Not counted in ClinVar's aggregate classification.
Comment: Previously observed in an individual who reportedly died due to MH; however, this patient also harbored a variant in the CACNA1S gene (PMID: 23558838); Not observed at significant frequency in large population cohorts (gnomAD); In silico analysis suggests that this missense variant does not alter protein structure/function; This variant is associated with the following publications: (PMID: 23558838)

Revvity Omics, Revvity
Classification: Uncertain significance. Last evaluated: 2025-01-23. Review status: criteria provided, single submitter. Criteria: ACMG Guidelines, 2015. Collection method: clinical testing. Allele origin: germline. Not counted in ClinVar's aggregate classification.

All of Us Research Program, National Institutes of Health
Classification: Uncertain significance for Malignant hyperthermia, susceptibility to, 1. Last evaluated: 2023-10-23. Review status: criteria provided, single submitter. Criteria: ACMG Guidelines, 2015. Collection method: clinical testing. Allele origin: germline. Inheritance: Autosomal dominant inheritance. Observed: 2 variant alleles, 2 heterozygotes. Not counted in ClinVar's aggregate classification.
Comment: This missense variant replaces arginine with glutamine at codon 3283 of the RYR1 protein. Computational prediction is inconclusive regarding the impact of this variant on protein structure and function (internally defined REVEL score threshold 0.5 < inconclusive < 0.7, PMID: 27666373). To our knowledge, functional studies have not been reported for this variant. This variant has been reported in one individual who experienced a fatal malignant hyperthermia event and was also found to carry a variant of uncertain significance in CACNA1S (PMID: 23558838, 25268394). This variant has been identified in 5/249582 chromosomes in the general population by the Genome Aggregation Database (gnomAD). The available evidence is insufficient to determine the role of this variant in disease conclusively. Therefore, this variant is classified as a Variant of Uncertain Significance.

This study involves interpretation of variants in research participants for the purpose of population health screening. Participant phenotype was not available at the time of variant classification. Additional details can be found in publication PMID: 35346344, PMCID: PMC8962531

Labcorp Genetics (formerly Invitae), Labcorp
Classification: Uncertain significance for RYR1-related disorder. Last evaluated: 2022-08-06. Review status: criteria provided, single submitter. Criteria: Invitae Variant Classification Sherloc (09022015). Collection method: clinical testing. Allele origin: germline. Not counted in ClinVar's aggregate classification.
Comment: This sequence change replaces arginine, which is basic and polar, with glutamine, which is neutral and polar, at codon 3283 of the RYR1 protein (p.Arg3283Gln). This variant is present in population databases (rs757753317, gnomAD 0.009%). This variant has not been reported in the literature in individuals affected with RYR1-related conditions. ClinVar contains an entry for this variant (Variation ID: 1303276). Advanced modeling of protein sequence and biophysical properties (such as structural, functional, and spatial information, amino acid conservation, physicochemical variation, residue mobility, and thermodynamic stability) performed at Invitae indicates that this missense variant is not expected to disrupt RYR1 protein function. In summary, the available evidence is currently insufficient to determine the role of this variant in disease. Therefore, it has been classified as a Variant of Uncertain Significance.

Literature cited by the submitters: PubMed 23558838 (cited by All of Us Research Program, National Institutes of Health); PubMed 25268394 (cited by All of Us Research Program, National Institutes of Health).